The following is an entry in ClinVar:

NM_000051.4(ATM):c.1655C>G (p.Pro552Arg)

Gene: ATM (ATM serine/threonine kinase; plus strand). Cytogenetic location: 11q22.3.
Variant type: single nucleotide variant.
Coding change: c.1655C>G on transcript NM_000051.4 (MANE Select); coding-DNA position 1655, C replaced by G.
Protein change: p.Pro552Arg; replaces proline 552 with arginine.
Molecular consequence: missense variant.
Genome position (GRCh38, 1-based): chr11:108,251,884, C>G. VCF-style: chr11-108251884-C-G. GRCh37 (hg19) VCF-style: chr11-108122611-C-G.
Other names: c.1655C>G, p.Pro552Arg (NM_001351834.2); short protein forms P552R.
Identifiers: ClinVar variation 1372127 (VCV001372127.8), dbSNP rs2135340121, ClinGen allele CA382535055.

ClinVar aggregate classification (germline): Uncertain significance. Review status: criteria provided, multiple submitters, no conflicts (2 of 4 stars). 3 submissions from 3 submitters: Uncertain significance (3). Last evaluated 2026-07-24.

Conditions:
Hereditary cancer-predisposing syndrome. Also called: Hereditary Cancer Syndrome; Neoplastic Syndromes, Hereditary; Hereditary neoplastic syndrome; Tumor predisposition. Identifiers: Orphanet 140162, MedGen C0027672, MeSH D009386, MONDO:0015356.
Ataxia-telangiectasia syndrome (AT). Also called: ATAXIA-TELANGIECTASIA, COMPLEMENTATION GROUP A; ATAXIA-TELANGIECTASIA, FRESNO VARIANT; Cerebello-oculocutaneous telangiectasia; Immunodeficiency with ataxia telangiectasia; Ataxia-telangiectasia, complementation group E; Ataxia-telangiectasia. Identifiers: Orphanet 100, MedGen C0004135, MONDO:0008840, OMIM 208900.

Submissions (3):

Ambry Genetics
Classification: Uncertain significance for Hereditary cancer-predisposing syndrome. Last evaluated: 2026-07-24. Review status: criteria provided, single submitter. Criteria: Ambry Variant Classification Scheme 2023. Collection method: clinical testing. Allele origin: germline.
Comment: The p.P552R variant (also known as c.1655C>G), located in coding exon 10 of the ATM gene, results from a C to G substitution at nucleotide position 1655. The proline at codon 552 is replaced by arginine, an amino acid with dissimilar properties. In an assay testing ATM function, this variant showed a functionally normal result (Lee KS et al. Cell, 2025 Sep;188:5081-5099.e27). This amino acid position is highly conserved in available vertebrate species. In addition, this alteration is predicted to be deleterious by in silico analysis. Based on the available evidence, the clinical significance of this variant remains unclear.

Women's Health and Genetics/Laboratory Corporation of America, LabCorp
Classification: Uncertain significance. Last evaluated: 2022-05-02. Review status: criteria provided, single submitter. Criteria: LabCorp Variant Classification Summary - May 2015. Collection method: clinical testing. Allele origin: germline.
Comment: Variant summary: ATM c.1655C>G (p.Pro552Arg) results in a non-conservative amino acid change in the encoded protein sequence. Five of five in-silico tools predict a damaging effect of the variant on protein function. The variant was absent in 251284 control chromosomes (gnomAD). The available data on variant occurrences in the general population are insufficient to allow any conclusion about variant significance. To our knowledge, no occurrence of c.1655C>G in individuals affected with Breast Cancer and no experimental evidence demonstrating its impact on protein function have been reported. One ClinVar submitter has assessed the variant since 2014: the variant was classified as of uncertain significance. Based on the evidence outlined above, the variant was classified as uncertain significance.

Labcorp Genetics (formerly Invitae), Labcorp
Classification: Uncertain significance for Ataxia-telangiectasia syndrome. Last evaluated: 2022-03-16. Review status: criteria provided, single submitter. Criteria: Invitae Variant Classification Sherloc (09022015). Collection method: clinical testing. Allele origin: germline.
Comment: In summary, the available evidence is currently insufficient to determine the role of this variant in disease. Therefore, it has been classified as a Variant of Uncertain Significance. Advanced modeling of protein sequence and biophysical properties (such as structural, functional, and spatial information, amino acid conservation, physicochemical variation, residue mobility, and thermodynamic stability) performed at Invitae indicates that this missense variant is not expected to disrupt ATM protein function. This variant has not been reported in the literature in individuals affected with ATM-related conditions. This variant is not present in population databases (gnomAD no frequency). This sequence change replaces proline, which is neutral and non-polar, with arginine, which is basic and polar, at codon 552 of the ATM protein (p.Pro552Arg).

Literature cited by the submitters: PubMed 40580951 (cited by Ambry Genetics).